The following is an entry in ClinVar:

ClinVar aggregate classification (germline): Pathogenic. Review status: criteria provided, single submitter (1 of 4 stars). 2 submissions from 2 submitters: Pathogenic (1). 1 of the submissions does not count toward it. Last evaluated 2023-10-09.

Conditions:
Familial adenomatous polyposis 1 (FAP1). Also called: FAMILIAL ADENOMATOUS POLYPOSIS 1, ATTENUATED; POLYPOSIS, ADENOMATOUS INTESTINAL. Identifiers: MedGen C2713442, MONDO:0021056, OMIM 175100. Disease mechanism: loss of function.

Submissions (2):

Myriad Genetics, Inc.
Classification: Pathogenic for Familial adenomatous polyposis 1. Last evaluated: 2023-10-09. Review status: criteria provided, single submitter. Criteria: Myriad Autosomal Dominant, Autosomal Recessive and X-Linked Classification Criteria (2023). Collection method: clinical testing. Allele origin: unknown.
Comment: This variant is considered pathogenic. This variant creates a frameshift predicted to result in premature protein truncation.

Mayo Clinic Laboratories, Mayo Clinic
Classification: Likely pathogenic. Review status: no assertion criteria provided. Collection method: clinical testing. Allele origin: unknown. Not counted in ClinVar's aggregate classification.

NM_000038.6(APC):c.5005_5008del (p.Ala1670fs)

Gene: APC (APC regulator of Wnt signaling pathway; plus strand). Cytogenetic location: 5q22.2.
Variant type: Deletion.
Coding change: c.5005_5008del on transcript NM_000038.6 (MANE Select); coding-DNA positions 5005 to 5008, 4 bases deleted (TTAG; older notation c.5005_5008delTTAG).
Protein change: p.Ala1670fs; shifts the reading frame from alanine 1670.
Molecular consequence: frameshift variant.
Genome position (GRCh38, 1-based): chr5:112,840,599-112,840,602, TTAG deleted; deleting any 4 consecutive bases within chr5:112,840,597-112,840,602 gives the same sequence; the c. name uses the placement nearest the transcript's 3' end. VCF-style (leftmost placement, unchanged base first): chr5-112840596-GAGTT-G. GRCh37 (hg19) VCF-style: chr5-112176293-GAGTT-G.
Other names: c.5005_5008del, p.Ala1670fs (NM_001127510.3, NM_001354895.2); c.4951_4954del, p.Ala1652fs (NM_001127511.3); c.4828_4831del, p.Ala1611fs (NM_001354901.2); c.4732_4735del, p.Ala1579fs (NM_001354902.2); c.4702_4705del, p.Ala1569fs (NM_001354903.2); c.4627_4630del, p.Ala1544fs (NM_001354904.2); c.4930_4933del, p.Ala1645fs (NM_001354898.2); c.4921_4924del, p.Ala1642fs (NM_001354899.2); and 5 more; short protein forms A1569fs, A1670fs, A1510fs, A1544fs, A1642fs, A1629fs, A1645fs, A1680fs.
Identifiers: ClinVar variation 492669 (VCV000492669.6), dbSNP rs1554086363, ClinGen allele CA658683424.